The following is an entry in ClinVar:

ClinVar aggregate classification (germline): Uncertain significance (1 of 4 stars; one submission).

Conditions:
Hereditary cancer-predisposing syndrome. Also called: Neoplastic Syndromes, Hereditary; Tumor predisposition; Hereditary Cancer Syndrome; Hereditary neoplastic syndrome. Identifiers: Orphanet 140162, MedGen C0027672, MeSH D009386, MONDO:0015356.

Submission:

Ambry Genetics
Classification: Uncertain significance for Hereditary cancer-predisposing syndrome. Last evaluated: 2024-10-30. Review status: criteria provided, single submitter. Criteria: Ambry Variant Classification Scheme 2023. Collection method: clinical testing. Allele origin: germline.
Comment: The p.Q208L variant (also known as c.623A>T), located in coding exon 5 of the APC gene, results from an A to T substitution at nucleotide position 623. The glutamine at codon 208 is replaced by leucine, an amino acid with dissimilar properties. This amino acid position is conserved. In addition, in silico predictors for this gene do not accurately predict pathogenicity. Based on the available evidence, the clinical significance of this variant remains unclear.

NM_000038.6(APC):c.623A>T (p.Gln208Leu)

Gene: APC (APC regulator of Wnt signaling pathway; plus strand). Cytogenetic location: 5q22.2.
Variant type: single nucleotide variant.
Coding change: c.623A>T on transcript NM_000038.6 (MANE Select); coding-DNA position 623, A replaced by T.
Protein change: p.Gln208Leu; replaces glutamine 208 with leucine.
Molecular consequence: missense variant. On other transcripts: 5 prime UTR variant (4), non-coding transcript variant (2).
Genome position (GRCh38, 1-based): chr5:112,780,881, A>T. VCF-style: chr5-112780881-A-T. GRCh37 (hg19) VCF-style: chr5-112116578-A-T.
Other names: c.623A>T, p.Gln208Leu (NM_001127510.3, NM_001354895.2, NM_001354896.2 and 16 more transcripts); c.653A>T, p.Gln218Leu (NM_001127511.3, NM_001354897.2, NM_001354902.2 and 1 more transcripts); c.548A>T, p.Gln183Leu (NM_001354898.2, NM_001354904.2, NM_001407451.1); c.446A>T, p.Gln149Leu (NM_001354900.2, NM_001354901.2, NM_001354905.2 and 1 more transcripts); c.-413A>T (NM_001354906.2, NM_001407470.1, NM_001407471.1 and 1 more transcripts); short protein forms Q208L, Q149L, Q183L, Q218L.
Identifiers: ClinVar variation 3411967 (VCV003411967.1).